The following is an entry in ClinVar:

NR_023343.3(RNU4ATAC):n.50G>A

Genes: CLASP1 (cytoplasmic linker associated protein 1; minus strand), CLASP1-AS1 (CLASP1 antisense RNA 1; plus strand), RNU4ATAC (RNA, U4atac small nuclear; plus strand). Cytogenetic location: 2q14.2.
Variant type: single nucleotide variant.
Molecular consequence: intron variant (on NM_001395891.1).
Genome position: GRCh38 VCF-style: chr2-121530929-G-A. GRCh37 (hg19) VCF-style: chr2-122288505-G-A.
Other names: 50G-A; c.196-604C>T (NM_001142274.2, NM_015282.3, NM_001378003.1 and 5 more transcripts).
Identifiers: ClinVar variation 30184 (VCV000030184.21), dbSNP rs181195449, ClinGen allele CA129006.
Genomic context (GRCh38, chr2:121,530,929, plus strand): 5'-CTTTCTATTATAACCATCCTTTTCTTGGGGTTGCGCTACTGTCCAATGAGCGCATAGTGA[G>A]GGCAGTACTGCTAACGCCTGAACAACACACCCGCATCAACTAGAGCTTTTGCTTTATTTT-3'

ClinVar aggregate classification (germline): Pathogenic/Likely pathogenic. Review status: criteria provided, multiple submitters, no conflicts (2 of 4 stars). 14 submissions from 14 submitters: Pathogenic (2); Likely pathogenic (9). 3 of the submissions do not count toward it. Last evaluated 2026-08-31.

Conditions:
Lowry-Wood syndrome (LWS). Identifiers: Orphanet 1824, MedGen C0796021, MONDO:0009191, OMIM 226960.
Roifman syndrome (RFMN). Also called: SPONDYLOEPIPHYSEAL DYSPLASIA, RETINAL DYSTROPHY, AND ANTIBODY DEFICIENCY. Identifiers: Orphanet 353298, MedGen C1846059, MONDO:0014722, OMIM 616651.
Osteodysplastic primordial dwarfism, type 1 (MOPD1). Also called: MOPD I; Microcephalic Osteodysplastic Primordial Dwarfism Type I/III (MOPDI) / Taybi-Linder Syndrome; Microcephalic Osteodysplastic Primordial Dwarfism, Type I; MOPD, SICILIAN FAIRY TYPE; BRACHYMELIC PRIMORDIAL DWARFISM; MICROCEPHALIC OSTEODYSPLASTIC PRIMORDIAL DWARFISM, TYPE III. Identifiers: Orphanet 2636, MedGen C1859452, MONDO:0008871, OMIM 210710.
RNU4ATAC spectrum disorder. Also called: RNU4atac-opathy. Identifiers: MedGen CN377746, MONDO:0100558.
RNU4ATAC-related disorder. Also called: RNU4ATAC-related condition.

Allele frequency attached by ClinVar (database versions not stated): TOPMed 0.00016; ExAC 0.00009.
gnomAD v4.1: 117 of 700,228 alleles (0.017%); highest among the groups gnomAD compares: Middle Eastern, 0.036%; no homozygotes.

Submissions 1 to 10 of 14:

Institute of Medical Genetics and Applied Genomics, University Hospital Tübingen
Classification: Likely pathogenic for Roifman syndrome. Last evaluated: 2026-08-31. Review status: criteria provided, single submitter. Criteria: ACMG Guidelines, 2015. Collection method: clinical testing. Allele origin: germline. Inheritance: Autosomal recessive inheritance. Affected: yes.
Comment: compound heterozygous

PreventionGenetics, part of Exact Sciences
Classification: Likely pathogenic for RNU4ATAC-related condition. Last evaluated: 2026-03-12. Review status: criteria provided, single submitter. Criteria: ACMG Guidelines, 2015. Collection method: clinical testing. Allele origin: germline.
Comment: The RNU4ATAC n.50G>A is a noncoding alteration. This variant has been reported in the compound heterozygous state in patients with microcephalic osteodysplastic primordial dwarfism type 1 (MOPD 1) or Roifman syndrome (Edery et al. 2011. PubMed ID: 21474761; Hagiwara et al. 2021. PubMed ID: 33059947). A different nucleotide change at this position (n.50G>C) was also reported (Edery et al. 2011. PubMed ID: 21474761). The n.50G>A variant is reported in 0.021% of alleles in individuals of European (Non-Finnish) descent in gnomAD. Taken together, this variant is interpreted as likely pathogenic.

Labcorp Genetics (formerly Invitae), Labcorp
Classification: Likely pathogenic. Last evaluated: 2026-01-22. Review status: criteria provided, single submitter. Criteria: Invitae Variant Classification Sherloc (09022015). Collection method: clinical testing. Allele origin: germline.
Comment: This variant occurs in the RNU4ATAC gene, which encodes an RNA molecule that does not result in a protein product. This variant is present in population databases (rs181195449, gnomAD 0.02%). This variant has been observed in individuals with autosomal recessive RNU4ATAC-related conditions (PMID: 21474761, 33059947, 34946966, 37225827). This variant is also known as g.50G>A. ClinVar contains an entry for this variant (Variation ID: 30184). Experimental studies and prediction algorithms are not available or were not evaluated, and the functional significance of this variant is currently unknown. This variant is located within the 5' stem-loop region of the RNU4ATAC RNA, which includes the 15.5K binding site and is important for spliceosome assembly (PMID: 32628740). A significant number of disease-associated RNU4ATAC variants are found in this region (PMID: 32628740, 30368667). In summary, the currently available evidence indicates that the variant is pathogenic, but additional data are needed to prove that conclusively. Therefore, this variant has been classified as Likely Pathogenic.

Broad Center for Mendelian Genomics, Broad Institute of MIT and Harvard
Classification: Pathogenic for RNU4ATAC spectrum disorder. Last evaluated: 2025-08-21. Review status: criteria provided, single submitter. Criteria: Ellingford et al. (Genome Med. 2022). Collection method: curation. Allele origin: germline. Inheritance: Autosomal recessive inheritance.
Comment: The heterozygous n.50G>A variant in RNU4ATAC was identified by our study, in the compound heterozygous state, in nine individuals with RNU4ATAC spectrum disorder (PMID:21474761). This variant has also been reported in the literature in at least one other individual with RNU4ATAC spectrum disorder (PMID: 33059947), and has been identified in 0.02% (13/57160) of African/African American chromosomes by the Genome Aggregation Database (gnomAD; dbSNP rs181195449). Although this variant has been seen in the general population in a heterozygous state, its frequency is low enough to be consistent with a recessive carrier frequency. This variant has also been reported in ClinVar (VCV000030184.15) and has been interpreted as likely pathogenic by multiple submitters and as a variant of uncertain significance by Labcorp Genetics. Of the many affected individuals, four were compound heterozygotes that carried a reported pathogenic variant in trans, which increases the likelihood that the n.50G>A variant is pathogenic (VCV000030178.40, VCV000636959.8; PMID: 21474761). The n.50G>A variant is located in the 5' Stem Loop region of RNU4ATAC where several other variants have been identified, suggesting that this variant is in a functional domain and supports pathogenicity (PMID: 26522830, 32628740). In summary, this variant meets criteria to be classified as pathogenic for autosomal recessive RNU4ATAC spectrum disorder. ACMG/AMP Criteria applied: PM3_very-strong, PM1, PS2_supporting (Richards 2015).

Blueprint Genetics
Classification: Pathogenic for RNU4ATAC-related disorders. Last evaluated: 2024-10-31. Review status: criteria provided, single submitter. Criteria: ACMG Guidelines, 2015. Collection method: clinical testing. Allele origin: germline. Affected: yes. Observed: 5 variant alleles.

Institute of Human Genetics, Heidelberg University
Classification: Likely pathogenic for Lowry-Wood syndrome. Last evaluated: 2024-10-29. Review status: criteria provided, single submitter. Criteria: ACMG Guidelines, 2015. Collection method: clinical testing. Allele origin: maternal. Affected: yes.
Comment: PM1, PM2_supp_PM3_strong, PM5

3billion
Classification: Likely pathogenic for Roifman syndrome. Last evaluated: 2024-03-11. Review status: criteria provided, single submitter. Criteria: ACMG Guidelines, 2015. Collection method: clinical testing. Allele origin: germline. Affected: yes.
Comment: The variant is observed at an extremely low frequency in the gnomAD v2.1.1 dataset (total allele frequency: 0.014%). Predicted Consequence/Location: Non-coding transcript variant The variant has been reported to be in trans with a pathogenic variant as either compound heterozygous or homozygous in at least one similarly affected unrelated individual (PMID: 21474761). The variant has been reported at least twice as pathogenic without evidence for the classification (ClinVar ID: VCV000030184). Therefore, this variant is classified as Likely pathogenic according to the recommendation of ACMG/AMP guideline.

Department of Human Genetics, Hannover Medical School
Classification: Likely pathogenic for Roifman syndrome. Last evaluated: 2023-10-25. Review status: criteria provided, single submitter. Criteria: ACMG Guidelines, 2015. Collection method: clinical testing. Allele origin: germline. Inheritance: Autosomal recessive inheritance. Affected: yes.

New York Genome Center
Classification: Likely pathogenic for Osteodysplastic primordial dwarfism, type 1; Roifman syndrome; Lowry-Wood syndrome. Last evaluated: 2022-12-12. Review status: criteria provided, single submitter. Criteria: NYGC Assertion Criteria 2020. Collection method: clinical testing. Allele origin: inherited. Affected: yes. Observed: 1 variant allele, 1 compound heterozygote.
Comment: The n.50G>A variant in RNU4ATAC has previously been reported in compound heterozygous state (in trans) with pathogenic variants in two individuals with RNU4ATAC-related phenotypes [PMID: 21474761, 33059947] and it has been deposited in ClinVar [ClinVar ID: 30184]. The n.50G>A variant is observed in 84 alleles (~0.018% minor allele frequency with 0 homozygotes) in population databases (gnomAD v2.1.1 and v3.1.2, TOPMed Freeze 8), suggesting it is not a common benign variant in the populations represented in those databases. The n.50G>A variant in RNU4ATAC falls in the 5' Stem Loop of this noncoding RNA; however, no functional studies have been performed to investigate its effect on splicing of target genes. Other pathogenic variants located in the 5' Stem Loop have been reported in individuals with RNU4ATAC-related phenotypes [PMID: 32596782]. Based on available evidence this inherited n.50G>A variant identified in RNU4ATAC is classified as Likely Pathogenic.

Genetic Services Laboratory, University of Chicago
Classification: Likely pathogenic. Last evaluated: 2021-06-25. Review status: criteria provided, single submitter. Criteria: ACMG Guidelines, 2015. Collection method: clinical testing. Allele origin: germline. Affected: yes.
Comment: The non-coding variant, n.50G>A, has been described in gnomAD with an allele frequency of 0.021% in the Non-Finnish European sub-population (dbSNP rsrs181195449). This sequence change is located in the 5' stem loop critical region, a region important for splicing (PMID:32628740). The n.50G>A has previously been observed in the compound heterozygous state with the n.51G>A pathogenic sequence change in an individual with intrauterine growth retardation, microcephaly, agenesis of the corpus callosum, and polymicrogyria (PMID: 21474761). Based on this information this variant is being classified as likely pathogenic.